The following is an entry in ClinVar:

ClinVar aggregate classification (germline): Uncertain significance (1 of 4 stars; one submission).

Conditions:
Hereditary cancer-predisposing syndrome. Also called: Hereditary neoplastic syndrome; Neoplastic Syndromes, Hereditary; Tumor predisposition; Hereditary Cancer Syndrome. Identifiers: Orphanet 140162, MedGen C0027672, MeSH D009386, MONDO:0015356.

Submission:

Ambry Genetics
Classification: Uncertain significance for Hereditary cancer-predisposing syndrome. Last evaluated: 2025-08-06. Review status: criteria provided, single submitter. Criteria: Ambry Variant Classification Scheme 2023. Collection method: clinical testing. Allele origin: germline.
Comment: The c.6531G>A variant (also known as p.E2177E) is located in coding exon 46 of the POLE gene. This variant results from a G to A substitution at nucleotide position 2177. This nucleotide substitution does not change the amino acid at codon 2177. However, this change occurs in the last base pair of coding exon 46, which makes it likely to have some effect on normal mRNA splicing. This nucleotide position is highly conserved in available vertebrate species. In silico splice site analysis predicts that this alteration will weaken the native splice donor site and may result in the creation or strengthening of a novel splice donor site. Based on the available evidence, the clinical significance of this variant remains unclear.

NM_006231.4(POLE):c.6531G>A (p.Glu2177=)

Gene: POLE (DNA polymerase epsilon, catalytic subunit; minus strand). Cytogenetic location: 12q24.33.
Variant type: single nucleotide variant.
Coding change: c.6531G>A on transcript NM_006231.4 (MANE Select); coding-DNA position 6531, G replaced by A.
Protein change: p.Glu2177=; no amino-acid change (glutamic acid 2177 retained).
Molecular consequence: synonymous variant.
Genome position (GRCh38, 1-based): chr12:132,626,117, C>T on the plus strand (G>A on the coding strand, the complement: POLE is on the minus strand). VCF-style: chr12-132626117-C-T. GRCh37 (hg19) VCF-style: chr12-133202703-C-T.
Identifiers: ClinVar variation 4141195 (VCV004141195.1).
Genomic context (GRCh38, chr12:132,626,117, plus strand): 5'-ACCGCAGTGCCCTCGGATGTTCTGCTCCACAGTGAAGGGCCCGCTGGAGCTCAGCCGCAC[C>T]TCTGAGAAGGAAGAGTCTTTACACAGGTCCAGGTCGCGGCAGAAGTTACAGCTGCGGCAG-3'
Protein context (NP_006222.2, residues 2167-2187): LDLCKDSSFS[Glu2177=]DGAVLPQWLC